The following is an entry in ClinVar:

NM_001367484.1(GLIS1):c.1101C>T (p.Ala367=)

Gene: GLIS1 (GLIS family zinc finger 1; minus strand). Cytogenetic location: 1p32.3.
Variant type: single nucleotide variant.
Coding change: c.1101C>T on transcript NM_001367484.1 (MANE Select); coding-DNA position 1101, C replaced by T.
Protein change: p.Ala367=; no amino-acid change (alanine 367 retained).
Molecular consequence: synonymous variant.
Genome position (GRCh38, 1-based): chr1:53,594,327, G>A on the plus strand (C>T on the coding strand, the complement: GLIS1 is on the minus strand). VCF-style: chr1-53594327-G-A. GRCh37 (hg19) VCF-style: chr1-54060000-G-A.
Other names: c.1101C>T, p.Ala367= (NM_001390836.1, NM_001390837.1, NM_001390838.1); c.576C>T, p.Ala192= (NM_147193.4).
Identifiers: ClinVar variation 3388430 (VCV003388430.14).

ClinVar aggregate classification (germline): Likely benign (1 of 4 stars; one submission).

gnomAD v4.1: 62 of 1,611,672 alleles (0.0038%); highest among the groups gnomAD compares: African/African-American, 0.036%; no homozygotes.

Submission:

CeGaT Center for Human Genetics Tuebingen
Classification: Likely benign. Last evaluated: 2024-10-01. Review status: criteria provided, single submitter. Criteria: CeGaT Center For Human Genetics Tuebingen Variant Classification Criteria Version 2. Collection method: clinical testing. Allele origin: germline. Affected: yes. Observed: 1 variant allele.
Comment: GLIS1: BP4, BP7